The following is an entry in ClinVar:

NM_000059.4(BRCA2):c.5419G>A (p.Asp1807Asn)

Gene: BRCA2 (BRCA2 DNA repair associated; plus strand). Cytogenetic location: 13q13.1.
Variant type: single nucleotide variant.
Coding change: c.5419G>A on transcript NM_000059.4 (MANE Select); coding-DNA position 5419, G replaced by A.
Protein change: p.Asp1807Asn; replaces aspartic acid 1807 with asparagine.
Molecular consequence: missense variant.
Genome position (GRCh38, 1-based): chr13:32,339,774, G>A. VCF-style: chr13-32339774-G-A. GRCh37 (hg19) VCF-style: chr13-32913911-G-A.
Other names: c.5419G>A, p.Asp1807Asn (NM_001406719.1, NM_001406720.1); short protein forms D1807N.
Identifiers: ClinVar variation 1747404 (VCV001747404.4), dbSNP rs2137517363, ClinGen allele CA387785412.

ClinVar aggregate classification (germline): Conflicting classifications of pathogenicity. Review status: criteria provided, conflicting classifications (1 of 4 stars). 2 submissions from 2 submitters: Uncertain significance (1); Likely benign (1). Last evaluated 2023-03-23.

Conditions:
Hereditary cancer-predisposing syndrome. Also called: Hereditary Cancer Syndrome; Neoplastic Syndromes, Hereditary; Tumor predisposition; Hereditary neoplastic syndrome. Identifiers: Orphanet 140162, MedGen C0027672, MeSH D009386, MONDO:0015356.

Submissions (2):

University of Washington Department of Laboratory Medicine, University of Washington
Classification: Likely benign for Hereditary cancer-predisposing syndrome. Last evaluated: 2023-03-23. Review status: criteria provided, single submitter. Criteria: Dines et al. (Genet Med. 2020). Collection method: curation. Allele origin: germline.
Comment: Missense variant in a coldspot region where missense variants are very unlikely to be pathogenic (PMID:31911673).

BRCA2 exon 11 coldspot. Reclassification based on statistical prior probability.

Ambry Genetics
Classification: Uncertain significance for Hereditary cancer-predisposing syndrome. Last evaluated: 2022-06-06. Review status: criteria provided, single submitter. Criteria: Ambry Variant Classification Scheme 2023. Collection method: clinical testing. Allele origin: germline.
Comment: The p.D1807N variant (also known as c.5419G>A), located in coding exon 10 of the BRCA2 gene, results from a G to A substitution at nucleotide position 5419. The aspartic acid at codon 1807 is replaced by asparagine, an amino acid with highly similar properties. This amino acid position is not well conserved in available vertebrate species. In addition, this alteration is predicted to be tolerated by in silico analysis. Since supporting evidence is limited at this time, the clinical significance of this alteration remains unclear.